The following is an entry in ClinVar:

ClinVar aggregate classification (germline): Uncertain significance (1 of 4 stars; one submission).

Submission:

GeneDx
Classification: Uncertain significance. Last evaluated: 2023-03-02. Review status: criteria provided, single submitter. Criteria: GeneDx Variant Classification Process June 2021. Collection method: clinical testing. Allele origin: germline. Affected: yes.
Comment: Not observed at significant frequency in large population cohorts (gnomAD); In silico analysis supports that this missense variant has a deleterious effect on protein structure/function; Has not been previously published as pathogenic or benign to our knowledge

NM_020778.5(ALPK3):c.4610G>A (p.Cys1537Tyr)

Gene: ALPK3 (alpha kinase 3; plus strand). Cytogenetic location: 15q25.3.
Variant type: single nucleotide variant.
Coding change: c.4610G>A on transcript NM_020778.5 (MANE Select); coding-DNA position 4610, G replaced by A.
Protein change: p.Cys1537Tyr; replaces cysteine 1537 with tyrosine.
Molecular consequence: missense variant.
Genome position (GRCh38, 1-based): chr15:84,864,552, G>A. VCF-style: chr15-84864552-G-A. GRCh37 (hg19) VCF-style: chr15-85407783-G-A.
Other names: short protein forms C1537Y.
Identifiers: ClinVar variation 2578050 (VCV002578050.1), dbSNP rs1368086502, ClinGen allele CA393365083.
Genomic context (GRCh38, chr15:84,864,552, plus strand): 5'-CTACCCTGGAGGAAGACCTGGGCAAGCCCCTGGAGTCTTACTGTTCTCGGGAATGGGGCT[G>A]TGCTGAGGCTCCGACAGCATCTGGCAGCTCTGAGGCCATGCAGAAATGCCAGACCTTCCA-3'
Protein context (NP_065829.4, residues 1527-1547): LESYCSREWG[Cys1537Tyr]AEAPTASGSS